The following is an entry in ClinVar:

NM_005097.4(LGI1):c.598del (p.Cys200fs)

Gene: LGI1 (leucine rich glioma inactivated 1; plus strand). Cytogenetic location: 10q23.33.
Variant type: Deletion.
Coding change: c.598del on transcript NM_005097.4 (MANE Select); coding-DNA position 598, one base deleted (T; older notation c.598delT).
Protein change: p.Cys200fs; shifts the reading frame from cysteine 200.
Molecular consequence: frameshift variant. On other transcripts: non-coding transcript variant (1).
Genome position (GRCh38, 1-based): chr10:93,792,837, T deleted. VCF-style (leftmost placement, unchanged base first): chr10-93792836-CT-C. GRCh37 (hg19) VCF-style: chr10-95552593-CT-C.
Other names: c.598del, p.Cys200fs (NM_001308275.2); c.454del, p.Cys152fs (NM_001308276.2); short protein forms C200fs, C152fs.
Identifiers: ClinVar variation 2735458 (VCV002735458.3), dbSNP rs2492903992, ClinGen allele CA923726325.

ClinVar aggregate classification (germline): Pathogenic (1 of 4 stars; one submission).

Conditions:
Autosomal dominant epilepsy with auditory features. Identifiers: Orphanet 101046, MedGen C1838062, MONDO:0010898.

Submission:

Labcorp Genetics (formerly Invitae), Labcorp
Classification: Pathogenic for Autosomal dominant epilepsy with auditory features. Last evaluated: 2023-12-02. Review status: criteria provided, single submitter. Criteria: Invitae Variant Classification Sherloc (09022015). Collection method: clinical testing. Allele origin: germline.
Comment: This sequence change creates a premature translational stop signal (p.Cys200Alafs*40) in the LGI1 gene. It is expected to result in an absent or disrupted protein product. Loss-of-function variants in LGI1 are known to be pathogenic (PMID: 24206907). This variant is not present in population databases (gnomAD no frequency). This premature translational stop signal has been observed in individual(s) with LGI1-related conditions (PMID: 20659151). For these reasons, this variant has been classified as Pathogenic.

Literature cited by the submitters: PubMed 24206907; PubMed 20659151.